The following is an entry in ClinVar:

ClinVar aggregate classification (germline): Conflicting classifications of pathogenicity. Review status: criteria provided, conflicting classifications (1 of 4 stars). 2 submissions from 2 submitters: Likely pathogenic (1); Uncertain significance (1). Last evaluated 2025-09-18.

Conditions:
Mucolipidosis type IV (ML4). Also called: ML IV. Identifiers: Orphanet 578, MedGen C0238286, MONDO:0009653, OMIM 252650.

Allele frequency attached by ClinVar (database versions not stated): ExAC 0.00001.
gnomAD v4.1: 7 of 1,612,608 alleles (0.00043%); highest among the groups gnomAD compares: Admixed American, 0.0017%; no homozygotes.

Submissions (2):

Institute of Human Genetics, University of Leipzig Medical Center
Classification: Likely pathogenic for Mucolipidosis type IV. Last evaluated: 2025-09-18. Review status: criteria provided, single submitter. Criteria: ACMG Guidelines, 2015. Collection method: clinical testing. Allele origin: inherited. Inheritance: Autosomal recessive inheritance. Affected: yes.
Comment: Criteria applied: PM2,PM3,PP2,PP3

Kasturba Medical College, Manipal, Kasturba Medical College, Manipal, Manipal Academy of Higher Education, Manipal, India
Classification: Uncertain significance for Mucolipidosis type IV. Review status: criteria provided, single submitter. Criteria: ACMG Guidelines, 2015. Collection method: clinical testing. Allele origin: biparental. Inheritance: Autosomal recessive inheritance. Affected: yes. Observed: 1 homozygote.

Literature cited by the submitters: DOI 10.1016/j.ajo.2023.10.011 (cited by Kasturba Medical College, Manipal, Kasturba Medical College, Manipal, Manipal Academy of Higher Education, Manipal, India).

NM_020533.3(MCOLN1):c.1363C>T (p.Arg455Cys)

Gene: MCOLN1 (mucolipin TRP cation channel 1; plus strand). Cytogenetic location: 19p13.2.
Variant type: single nucleotide variant.
Coding change: c.1363C>T on transcript NM_020533.3 (MANE Select); coding-DNA position 1363, C replaced by T.
Protein change: p.Arg455Cys; replaces arginine 455 with cysteine.
Molecular consequence: missense variant.
Genome position (GRCh38, 1-based): chr19:7,530,289, C>T. VCF-style: chr19-7530289-C-T. GRCh37 (hg19) VCF-style: chr19-7595175-C-T.
Other names: short protein forms R455C.
Identifiers: ClinVar variation 3248552 (VCV003248552.3), dbSNP rs747683527.